The following is an entry in ClinVar:

NM_177438.3(DICER1):c.692A>G (p.Lys231Arg)

Gene: DICER1 (dicer 1, ribonuclease III; minus strand). Cytogenetic location: 14q32.13.
Variant type: single nucleotide variant.
Coding change: c.692A>G on transcript NM_177438.3 (MANE Select); coding-DNA position 692, A replaced by G.
Protein change: p.Lys231Arg; replaces lysine 231 with arginine.
Molecular consequence: missense variant.
Genome position (GRCh38, 1-based): chr14:95,129,514, T>C on the plus strand (A>G on the coding strand, the complement: DICER1 is on the minus strand). VCF-style: chr14-95129514-T-C. GRCh37 (hg19) VCF-style: chr14-95595851-T-C.
Other names: c.692A>G, p.Lys231Arg (NM_001195573.1, NM_001271282.3, NM_001291628.2 and 1 more transcripts); short protein forms K231R.
Identifiers: ClinVar variation 1345344 (VCV001345344.11), dbSNP rs754799308, ClinGen allele CA7331600.

ClinVar aggregate classification (germline): Conflicting classifications of pathogenicity. Review status: criteria provided, conflicting classifications (1 of 4 stars). 2 submissions from 2 submitters: Uncertain significance (1); Likely benign (1). Last evaluated 2024-12-19.

Conditions:
DICER1-related tumor predisposition. Also called: DICER1 syndrome; DICER1-related pleuropulmonary blastoma cancer predisposition syndrome. Identifiers: Orphanet 284343, MedGen C3839822, MONDO:0100216.
Hereditary cancer-predisposing syndrome. Also called: Hereditary Cancer Syndrome; Neoplastic Syndromes, Hereditary; Tumor predisposition; Hereditary neoplastic syndrome. Identifiers: Orphanet 140162, MedGen C0027672, MeSH D009386, MONDO:0015356.

Allele frequency attached by ClinVar (database versions not stated): gnomAD exomes below 0.00001 and 0.00001; ExAC 0.00001.
gnomAD v4.1: 2 of 1,613,994 alleles (0.00012%); highest among the groups gnomAD compares: Non-Finnish European, 0.00017%; no homozygotes.

Submissions (2):

Ambry Genetics
Classification: Likely benign for Hereditary cancer-predisposing syndrome. Last evaluated: 2024-12-19. Review status: criteria provided, single submitter. Criteria: Ambry Variant Classification Scheme 2023. Collection method: clinical testing. Allele origin: germline.

Labcorp Genetics (formerly Invitae), Labcorp
Classification: Uncertain significance for DICER1-related tumor predisposition. Last evaluated: 2024-11-26. Review status: criteria provided, single submitter. Criteria: Invitae Variant Classification Sherloc (09022015). Collection method: clinical testing. Allele origin: germline.
Comment: This sequence change replaces lysine, which is basic and polar, with arginine, which is basic and polar, at codon 231 of the DICER1 protein (p.Lys231Arg). This variant is present in population databases (rs754799308, gnomAD 0.002%). This variant has not been reported in the literature in individuals affected with DICER1-related conditions. ClinVar contains an entry for this variant (Variation ID: 1345344). Invitae Evidence Modeling of protein sequence and biophysical properties (such as structural, functional, and spatial information, amino acid conservation, physicochemical variation, residue mobility, and thermodynamic stability) indicates that this missense variant is not expected to disrupt DICER1 protein function with a negative predictive value of 95%. In summary, the available evidence is currently insufficient to determine the role of this variant in disease. Therefore, it has been classified as a Variant of Uncertain Significance.